The following is an entry in ClinVar:

ClinVar aggregate classification (germline): Pathogenic (1 of 4 stars; one submission).

Conditions:
Usher syndrome type 1 (USH1). Also called: RETINITIS PIGMENTOSA AND CONGENITAL DEAFNESS. Identifiers: Orphanet 231169, Orphanet 886, MedGen C1568247, MONDO:0010168, OMIM 276900.

Submission:

Myriad Genetics, Inc.
Classification: Pathogenic for Usher syndrome type 1. Last evaluated: 2026-05-29. Review status: criteria provided, single submitter. Criteria: Myriad Autosomal Dominant, Autosomal Recessive and X-Linked Classification Criteria (2023). Collection method: clinical testing. Allele origin: unknown.
Comment: NM_000260.3(MYO7A):c.4131dupT(G1378Wfs*6) is a frameshift variant classified as pathogenic in the context of MYO7A-related disorders. G1378Wfs*6 has been observed in cases with relevant disease (PMID: 22135276, 31320737). Relevant functional assessments of this variant are not available in the literature. G1378Wfs*6 has been observed in referenced population frequency databases. In summary, NM_000260.3(MYO7A):c.4131dupT(G1378Wfs*6) is a frameshift variant in a gene where loss of function is a known mechanism of disease, is predicted to disrupt protein function, and has been observed more frequently in cases with the relevant disease than in healthy populations. Please note: this variant was assessed in the context of healthy population screening.

Literature cited by the submitters: PubMed 22135276; PubMed 31320737.

NM_000260.4(MYO7A):c.4131dup (p.Gly1378fs)

Gene: MYO7A (myosin VIIA; plus strand). Cytogenetic location: 11q13.5.
Variant type: Duplication.
Coding change: c.4131dup on transcript NM_000260.4 (MANE Select); coding-DNA position 4131, one base duplicated (T; older notation c.4131dupT).
Protein change: p.Gly1378fs; shifts the reading frame from glycine 1378.
Molecular consequence: frameshift variant.
Genome position (GRCh38, 1-based): chr11:77,192,257, T duplicated; the last of 3 consecutive T bases (chr11:77,192,255-77,192,257); duplicating any one gives the same sequence. VCF-style (leftmost placement, unchanged base first): chr11-77192254-G-GT. GRCh37 (hg19) VCF-style: chr11-76903299-G-GT.
Other names: c.4131dup, p.Gly1378fs (NM_001127180.2); c.4098dup, p.Gly1367fs (NM_001369365.1); short protein forms G1367fs, G1378fs.
Identifiers: ClinVar variation 5003270 (VCV005003270.1).